The following is an entry in ClinVar:

NM_003073.5(SMARCB1):c.349C>T (p.Pro117Ser)

Gene: SMARCB1 (SWI/SNF related BAF chromatin remodeling complex subunit B1; plus strand). Cytogenetic location: 22q11.23.
Variant type: single nucleotide variant.
Coding change: c.349C>T on transcript NM_003073.5 (MANE Select); coding-DNA position 349, C replaced by T.
Protein change: p.Pro117Ser; replaces proline 117 with serine.
Molecular consequence: missense variant.
Genome position (GRCh38, 1-based): chr22:23,793,675, C>T. VCF-style: chr22-23793675-C-T. GRCh37 (hg19) VCF-style: chr22-24135862-C-T.
Other names: c.322C>T, p.Pro108Ser (NM_001007468.3, NM_001317946.2); c.349C>T, p.Pro117Ser (NM_001362877.2); short protein forms P117S, P108S.
Identifiers: ClinVar variation 2566863 (VCV002566863.2), dbSNP rs2145964480, ClinGen allele CA410934073.

ClinVar aggregate classification (germline): Uncertain significance (1 of 4 stars; one submission).

Conditions:
Hereditary cancer-predisposing syndrome. Also called: Hereditary neoplastic syndrome; Hereditary Cancer Syndrome; Neoplastic Syndromes, Hereditary; Tumor predisposition. Identifiers: Orphanet 140162, MedGen C0027672, MeSH D009386, MONDO:0015356.

Submission:

Ambry Genetics
Classification: Uncertain significance for Hereditary cancer-predisposing syndrome. Last evaluated: 2023-03-28. Review status: criteria provided, single submitter. Criteria: Ambry Variant Classification Scheme 2023. Collection method: clinical testing. Allele origin: germline.
Comment: The p.P117S variant (also known as c.349C>T), located in coding exon 3 of the SMARCB1 gene, results from a C to T substitution at nucleotide position 349. The proline at codon 117 is replaced by serine, an amino acid with similar properties. This amino acid position is highly conserved in available vertebrate species. In addition, the in silico prediction for this alteration is inconclusive. Missense and in-frame variants in SMARCB1 are known to cause neurodevelopmental disorders; however, such associations with rhabdoid tumor predisposition syndrome are exceedingly rare (Kosho T et al. Am J Med Genet C Semin Med Genet. 2014 Sep;166C(3):262-75; Eaton KW et al. Pediatr Blood Cancer. 2011 Jan;56(1):7-15). Since supporting evidence is limited at this time, the clinical significance of this alteration remains unclear.